The following is an entry in ClinVar:

ClinVar aggregate classification (germline): Likely pathogenic (1 of 4 stars; one submission).

Conditions:
Spondylocostal dysostosis 2, autosomal recessive (SCDO2). Also called: MESP2-Related Spondylocostal Dysostosis, Autosomal Recessive; Spondylocostal dysostosis type 2. Identifiers: Orphanet 2311, MedGen C1837549, MONDO:0012097, OMIM 608681.

Submission:

Natera, Inc.
Classification: Likely pathogenic for Spondylocostal dysostosis type 2. Last evaluated: 2025-03-11. Review status: criteria provided, single submitter. Criteria: Natera Variant Classification Schema (03/2026). Collection method: clinical testing. Allele origin: germline.
Comment: The c.547_550delGGGC variant in MESP2 is a frameshift variant predicted to elongate the protein beyond the termination codon. This variant is expected to result in nonsense mediated decay, truncation, or a dysfunctional protein product. This variant is rare in the general population with a frequency below the threshold expected for the associated phenotype(s). Given the available evidence, this variant is classified as Likely Pathogenic.

NM_001039958.2(MESP2):c.547_550del (p.Gly183fs)

Gene: MESP2 (mesoderm posterior bHLH transcription factor 2; plus strand). Cytogenetic location: 15q26.1.
Variant type: Deletion.
Coding change: c.547_550del on transcript NM_001039958.2 (MANE Select); coding-DNA positions 547 to 550, 4 bases deleted (GGGC; older notation c.547_550delGGGC).
Protein change: p.Gly183fs; shifts the reading frame from glycine 183.
Molecular consequence: frameshift variant.
Genome position (GRCh38, 1-based): chr15:89,776,904-89,776,907, GGGC deleted. VCF-style (leftmost placement, unchanged base first): chr15-89776903-AGGGC-A. GRCh37 (hg19) VCF-style: chr15-90320134-AGGGC-A.
Other names: short protein forms G183fs.
Identifiers: ClinVar variation 4814571 (VCV004814571.1).